The following is an entry in ClinVar:

ClinVar aggregate classification (germline): Uncertain significance (1 of 4 stars; one submission).

Conditions:
Developmental and epileptic encephalopathy, 53. Also called: Epileptic encephalopathy, early infantile, 53. Identifiers: MedGen C4479313, MONDO:0033362, OMIM 617389.
Early-onset Parkinson disease 20. Also called: PARKINSON DISEASE 20, AUTOSOMAL RECESSIVE EARLY-ONSET. Identifiers: Orphanet 391411, MedGen C3809824, MONDO:0014233, OMIM 615530.

Allele frequency attached by ClinVar (database versions not stated): gnomAD exomes 0.00001.
gnomAD v4.1: 13 of 1,614,122 alleles (0.00081%); highest among the groups gnomAD compares: Non-Finnish European, 0.00093%; no homozygotes.

Submission:

Labcorp Genetics (formerly Invitae), Labcorp
Classification: Uncertain significance for Developmental and epileptic encephalopathy, 53; Early-onset Parkinson disease 20. Last evaluated: 2021-10-12. Review status: criteria provided, single submitter. Criteria: Invitae Variant Classification Sherloc (09022015). Collection method: clinical testing. Allele origin: germline.
Comment: In summary, the available evidence is currently insufficient to determine the role of this variant in disease. Therefore, it has been classified as a Variant of Uncertain Significance. Algorithms developed to predict the effect of missense changes on protein structure and function output the following: SIFT: "Tolerated"; PolyPhen-2: "Benign"; Align-GVGD: "Class C0". The isoleucine amino acid residue is found in multiple mammalian species, which suggests that this missense change does not adversely affect protein function. This variant has not been reported in the literature in individuals affected with SYNJ1-related conditions. This variant is not present in population databases (ExAC no frequency). This sequence change replaces methionine with isoleucine at codon 1428 of the SYNJ1 protein (p.Met1428Ile). The methionine residue is weakly conserved and there is a small physicochemical difference between methionine and isoleucine.

NM_203446.3(SYNJ1):c.*255G>T

Gene: SYNJ1 (synaptojanin 1; minus strand). Cytogenetic location: 21q22.11.
Variant type: single nucleotide variant.
Coding change: c.*255G>T on transcript NM_203446.3 (MANE Select); 255 bases downstream of the stop codon, G replaced by T.
Molecular consequence: 3 prime UTR variant. On other transcripts: missense variant (2).
Genome position (GRCh38, 1-based): chr21:32,631,550, C>A on the plus strand (G>T on the coding strand, the complement: SYNJ1 is on the minus strand). VCF-style: chr21-32631550-C-A. GRCh37 (hg19) VCF-style: chr21-34003860-C-A.
Other names: c.*255G>T (NM_001160302.2); c.4026G>T, p.Met1342Ile (NM_001160306.2); c.4284G>T, p.Met1428Ile (NM_003895.4); short protein forms M1428I, M1342I.
Identifiers: ClinVar variation 1409554 (VCV001409554.4), dbSNP rs2039328082, ClinGen allele CA410082250.